The following is an entry in ClinVar:

NM_002439.5(MSH3):c.2875A>G (p.Thr959Ala)

Gene: MSH3 (mutS homolog 3; plus strand). Cytogenetic location: 5q14.1.
Variant type: single nucleotide variant.
Coding change: c.2875A>G on transcript NM_002439.5 (MANE Select); coding-DNA position 2875, A replaced by G.
Protein change: p.Thr959Ala; replaces threonine 959 with alanine.
Molecular consequence: missense variant.
Genome position (GRCh38, 1-based): chr5:80,854,191, A>G. VCF-style: chr5-80854191-A-G. GRCh37 (hg19) VCF-style: chr5-80150010-A-G.
Other names: short protein forms T959A.
Identifiers: ClinVar variation 1797091 (VCV001797091.9), dbSNP rs2478771622, ClinGen allele CA360275595.

ClinVar aggregate classification (germline): Uncertain significance. Review status: criteria provided, multiple submitters, no conflicts (2 of 4 stars). 3 submissions from 3 submitters: Uncertain significance (3). Last evaluated 2025-02-18.

Conditions:
Hereditary cancer-predisposing syndrome. Also called: Tumor predisposition; Hereditary Cancer Syndrome; Neoplastic Syndromes, Hereditary; Hereditary neoplastic syndrome. Identifiers: Orphanet 140162, MedGen C0027672, MeSH D009386, MONDO:0015356.
Endometrial carcinoma. Also called: Endometrial carcinoma, somatic. Identifiers: MedGen C0476089, MONDO:0002447, OMIM 608089, HP:0012114.

Submissions (3):

Ambry Genetics
Classification: Uncertain significance for Hereditary cancer-predisposing syndrome. Last evaluated: 2025-02-18. Review status: criteria provided, single submitter. Criteria: Ambry Variant Classification Scheme 2023. Collection method: clinical testing. Allele origin: germline.
Comment: The p.T959A variant (also known as c.2875A>G), located in coding exon 21 of the MSH3 gene, results from an A to G substitution at nucleotide position 2875. The threonine at codon 959 is replaced by alanine, an amino acid with similar properties. This amino acid position is conserved. In addition, this alteration is predicted to be tolerated by in silico analysis. Since supporting evidence is limited at this time, the clinical significance of this alteration remains unclear.

Labcorp Genetics (formerly Invitae), Labcorp
Classification: Uncertain significance. Last evaluated: 2024-10-11. Review status: criteria provided, single submitter. Criteria: Invitae Variant Classification Sherloc (09022015). Collection method: clinical testing. Allele origin: germline.
Comment: This sequence change replaces threonine, which is neutral and polar, with alanine, which is neutral and non-polar, at codon 959 of the MSH3 protein (p.Thr959Ala). This variant is not present in population databases (gnomAD no frequency). This variant has not been reported in the literature in individuals affected with MSH3-related conditions. ClinVar contains an entry for this variant (Variation ID: 1797091). An algorithm developed to predict the effect of missense changes on protein structure and function (PolyPhen-2) suggests that this variant is likely to be disruptive. In summary, the available evidence is currently insufficient to determine the role of this variant in disease. Therefore, it has been classified as a Variant of Uncertain Significance.

Baylor Genetics
Classification: Uncertain significance for Endometrial carcinoma. Last evaluated: 2023-09-03. Review status: criteria provided, single submitter. Criteria: ACMG Guidelines, 2015. Collection method: clinical testing. Allele origin: unknown.